The following is an entry in ClinVar:

ClinVar aggregate classification (germline): Uncertain significance (1 of 4 stars; one submission).

Conditions:
Supravalvar aortic stenosis (SVAS). Also called: Supravalvar aortic stenosis, Eisenberg type. Identifiers: Orphanet 3193, MedGen C0003499, MONDO:0008504, OMIM 185500, HP:0004381.

Submission:

Labcorp Genetics (formerly Invitae), Labcorp
Classification: Uncertain significance for Supravalvar aortic stenosis. Last evaluated: 2025-11-17. Review status: criteria provided, single submitter. Criteria: Invitae Variant Classification Sherloc (09022015). Collection method: clinical testing. Allele origin: germline.
Comment: This variant, c.1757_1783dup, results in the insertion of 9 amino acid(s) of the ELN protein (p.Val586_Gly594dup), but otherwise preserves the integrity of the reading frame. This variant is not present in population databases (gnomAD no frequency). This variant has not been reported in the literature in individuals affected with ELN-related conditions. ClinVar contains an entry for this variant (Variation ID: 2698418). Experimental studies and prediction algorithms are not available or were not evaluated, and the functional significance of this variant is currently unknown. In summary, the available evidence is currently insufficient to determine the role of this variant in disease. Therefore, it has been classified as a Variant of Uncertain Significance.

NM_000501.4(ELN):c.1670_1696dup (p.Gly565_Ala566insValGlyValProGlyLeuGlyValGly)

Genes: ELN-AS1 (ELN antisense RNA 1; minus strand), ELN (elastin; plus strand). Cytogenetic location: 7q11.23.
Variant type: Duplication.
Coding change: c.1670_1696dup on transcript NM_000501.4 (MANE Select); coding-DNA positions 1670 to 1696, 27 bases duplicated (TCGGCGTCCCTGGACTTGGAGTTGGTG).
Protein change: p.Gly565_Ala566insValGlyValProGlyLeuGlyValGly.
Molecular consequence: inframe insertion.
Genome position (GRCh38, 1-based): chr7:74,060,424-74,060,450, TCGGCGTCCCTGGACTTGGAGTTGGTG duplicated; duplicating any 27 consecutive bases within chr7:74,060,403-74,060,450 gives the same sequence; the c. name uses the placement nearest the transcript's 3' end. VCF-style (leftmost placement, unchanged base first): chr7-74060402-A-ATCCCTGGACTTGGAGTTGGTGTCGGCG. GRCh37 (hg19) VCF-style: chr7-73474732-A-ATCCCTGGACTTGGAGTTGGTGTCGGCG.
Other names: c.1583_1609dup, p.Gly536_Ala537insValGlyValProGlyLeuGlyValGly (NM_001081752.3); c.1628_1654dup, p.Gly551_Ala552insValGlyValProGlyLeuGlyValGly (NM_001081753.3); c.1685_1711dup, p.Gly570_Ala571insValGlyValProGlyLeuGlyValGly (NM_001081754.3); c.1613_1639dup, p.Gly546_Ala547insValGlyValProGlyLeuGlyValGly (NM_001081755.3); c.1670_1696dup, p.Gly565_Ala566insValGlyValProGlyLeuGlyValGly (NM_001278912.2); c.1427_1453dup, p.Gly484_Ala485insValGlyValProGlyLeuGlyValGly (NM_001278913.2); c.1598_1624dup, p.Gly541_Ala542insValGlyValProGlyLeuGlyValGly (NM_001278914.2); c.1688_1714dup, p.Gly571_Ala572insValGlyValProGlyLeuGlyValGly (NM_001278915.2); and 4 more.
Identifiers: ClinVar variation 2698418 (VCV002698418.3), dbSNP rs782112327, ClinGen allele CA1103066651.